The following is an entry in ClinVar:

NM_004082.5(DCTN1):c.533T>C (p.Leu178Pro)

Gene: DCTN1 (dynactin subunit 1; minus strand). Cytogenetic location: 2p13.1.
Variant type: single nucleotide variant.
Coding change: c.533T>C on transcript NM_004082.5 (MANE Select); coding-DNA position 533, T replaced by C.
Protein change: p.Leu178Pro; replaces leucine 178 with proline.
Molecular consequence: missense variant. On other transcripts: non-coding transcript variant (1).
Genome position (GRCh38, 1-based): chr2:74,371,649, A>G on the plus strand (T>C on the coding strand, the complement: DCTN1 is on the minus strand). VCF-style: chr2-74371649-A-G. GRCh37 (hg19) VCF-style: chr2-74598776-A-G.
Other names: c.473T>C, p.Leu158Pro (NM_001135040.3); c.131T>C, p.Leu44Pro (NM_001135041.3, NM_023019.4); c.422T>C, p.Leu141Pro (NM_001190836.2); c.512T>C, p.Leu171Pro (NM_001190837.2); c.482T>C, p.Leu161Pro (NM_001378991.1); c.464T>C, p.Leu155Pro (NM_001378992.1); short protein forms L178P, L158P, L44P, L171P, L141P, L155P, L161P.
Identifiers: ClinVar variation 1746931 (VCV001746931.2), dbSNP rs1471977314, ClinGen allele CA347367461.

ClinVar aggregate classification (germline): Uncertain significance (1 of 4 stars; one submission).

Conditions:
Inborn genetic diseases. Identifiers: MedGen C0950123, MeSH D030342.

Submission:

Ambry Genetics
Classification: Uncertain significance for Inborn genetic diseases. Last evaluated: 2019-10-15. Review status: criteria provided, single submitter. Criteria: Ambry Variant Classification Scheme 2023. Collection method: clinical testing. Allele origin: germline.
Comment: The p.L178P variant (also known as c.533T>C), located in coding exon 8 of the DCTN1 gene, results from a T to C substitution at nucleotide position 533. The leucine at codon 178 is replaced by proline, an amino acid with similar properties. This amino acid position is not well conserved in available vertebrate species. In addition, this alteration is predicted to be tolerated by in silico analysis. Since supporting evidence is limited at this time, the clinical significance of this alteration remains unclear.